The following is an entry in ClinVar:

ClinVar aggregate classification (germline): Uncertain significance (1 of 4 stars; one submission).

Submission:

Ambry Genetics
Classification: Uncertain significance. Last evaluated: 2023-12-21. Review status: criteria provided, single submitter. Criteria: Ambry Variant Classification Scheme 2023. Collection method: clinical testing. Allele origin: germline.
Comment: The p.L274I variant (also known as c.820C>A), located in coding exon 3 of the ALPK2 gene, results from a C to A substitution at nucleotide position 820. The leucine at codon 274 is replaced by isoleucine, an amino acid with highly similar properties. This amino acid position is conserved. In addition, this alteration is predicted to be tolerated by in silico analysis. Since supporting evidence is limited at this time, the clinical significance of this alteration remains unclear.

NM_052947.4(ALPK2):c.820C>A (p.Leu274Ile)

Genes: ALPK2 (alpha kinase 2; minus strand), LOC114803473 (ALPK2 eExon liver enhancer; plus strand). Cytogenetic location: 18q21.31.
Variant type: single nucleotide variant.
Coding change: c.820C>A on transcript NM_052947.4 (MANE Select); coding-DNA position 820, C replaced by A.
Protein change: p.Leu274Ile; replaces leucine 274 with isoleucine.
Molecular consequence: missense variant.
Genome position (GRCh38, 1-based): chr18:58,579,956, G>T on the plus strand (C>A on the coding strand, the complement: ALPK2 is on the minus strand). VCF-style: chr18-58579956-G-T. GRCh37 (hg19) VCF-style: chr18-56247188-G-T.
Other names: short protein forms L274I.
Identifiers: ClinVar variation 3228868 (VCV003228868.1), dbSNP rs2518899797, ClinGen allele CA402567132.
Genomic context (GRCh38, chr18:58,579,956, plus strand): 5'-GTTTGTTGGCCACGGCACTGTCACCTGGGTAAATGTGTGCAGTTGCCTCAGATAGCGGGA[G>T]GCTGAAGCTAATGTATTTCTGTACTTTGGGATTTTGCTGACTAGAGCGTAAGCCTTCATC-3'
Protein context (NP_443179.3, residues 264-284): PKVQKYISFS[Leu274Ile]PLSEATAHIY